The following is an entry in ClinVar:

ClinVar aggregate classification (germline): Likely benign. Review status: criteria provided, single submitter (1 of 4 stars). 2 submissions from 2 submitters: Likely benign (1). 1 of the submissions does not count toward it. Last evaluated 2025-07-29.

Conditions:
Atrioventricular septal defect 5 (AVSD5). Identifiers: MedGen C3280939, MONDO:0013769, OMIM 614474.
GATA6-related disorder. Also called: GATA6-related condition.

Allele frequency attached by ClinVar (database versions not stated): gnomAD exomes 0.00001; TOPMed 0.00003; gnomAD 0.00005.
gnomAD v4.1: 19 of 1,498,354 alleles (0.0013%); highest among the groups gnomAD compares: Non-Finnish European, 0.0017%; no homozygotes.

Submissions (2):

Labcorp Genetics (formerly Invitae), Labcorp
Classification: Likely benign for Atrioventricular septal defect 5. Last evaluated: 2025-07-29. Review status: criteria provided, single submitter. Criteria: Invitae Variant Classification Sherloc (09022015). Collection method: clinical testing. Allele origin: germline.

PreventionGenetics, part of Exact Sciences
Classification: Likely benign for GATA6-related condition. Last evaluated: 2019-06-14. Review status: no assertion criteria provided. Collection method: clinical testing. Allele origin: germline. Not counted in ClinVar's aggregate classification.
Comment: This variant is classified as likely benign based on ACMG/AMP sequence variant interpretation guidelines (Richards et al. 2015 PMID: 25741868, with internal and published modifications).

NM_005257.6(GATA6):c.543G>C (p.Ala181=)

Gene: GATA6 (GATA binding protein 6; plus strand). Cytogenetic location: 18q11.2.
Variant type: single nucleotide variant.
Coding change: c.543G>C on transcript NM_005257.6 (MANE Select); coding-DNA position 543, G replaced by C.
Protein change: p.Ala181=; no amino-acid change (alanine 181 retained).
Molecular consequence: synonymous variant.
Genome position (GRCh38, 1-based): chr18:22,171,687, G>C. VCF-style: chr18-22171687-G-C. GRCh37 (hg19) VCF-style: chr18-19751648-G-C.
Other names: c.543G>C (NM_005257.5).
Identifiers: ClinVar variation 1134050 (VCV001134050.11), dbSNP rs1462466315, ClinGen allele CA503529678.
Genomic context (GRCh38, chr18:22,171,687, plus strand): 5'-CTACGACGGCGCGCCCGGCGGCTTCGTGCACTCTGCGGCCGCGGCGGCAGCAGCCGCGGC[G>C]GCGGCCAGCTCCCCGGTCTACGTGCCCACCACCCGCGTGGGTTCCATGCTGCCCGGCCTA-3'
Protein context (NP_005248.2, residues 171-191): HSAAAAAAAA[Ala181=]AASSPVYVPT